The following is an entry in ClinVar:

NM_000154.2(GALK1):c.511C>T (p.Gln171Ter)

Gene: GALK1 (galactokinase 1; minus strand). Cytogenetic location: 17q25.1.
Variant type: single nucleotide variant.
Coding change: c.511C>T on transcript NM_000154.2 (MANE Select); coding-DNA position 511, C replaced by T.
Protein change: p.Gln171Ter; replaces glutamine 171 with a stop codon.
Molecular consequence: nonsense.
Genome position (GRCh38, 1-based): chr17:75,763,114, G>A on the plus strand (C>T on the coding strand, the complement: GALK1 is on the minus strand). VCF-style: chr17-75763114-G-A. GRCh37 (hg19) VCF-style: chr17-73759195-G-A.
Other names: c.511C>T, p.Gln171Ter (NM_001381985.1); short protein forms Q171*.
Identifiers: ClinVar variation 5013335 (VCV005013335.1).

ClinVar aggregate classification (germline): Pathogenic (1 of 4 stars; one submission).

Conditions:
Deficiency of galactokinase. Also called: GALACTOSEMIA II; Galactokinase deficiency with cataracts. Identifiers: Orphanet 352, Orphanet 79237, MedGen C0268155, MONDO:0009255, OMIM 230200.

gnomAD v4.1: 1 of 1,612,268 alleles (0.000062%); no homozygotes.

Submission:

Myriad Genetics, Inc.
Classification: Pathogenic for Deficiency of galactokinase. Last evaluated: 2024-07-21. Review status: criteria provided, single submitter. Criteria: Myriad Autosomal Dominant, Autosomal Recessive and X-Linked Classification Criteria (2023). Collection method: clinical testing. Allele origin: unknown.
Comment: NM_000154.1(GALK1):c.511C>T(Q171*) is expected to be pathogenic in the context of galactokinase deficiency. This variant is predicted to lead to an abnormal or absent protein product due to the creation of a premature termination codon in GALK1, a gene where loss-of-function variants are known to be pathogenic. Please note: this variant was assessed in the context of healthy population screening.